The following is an entry in ClinVar:

ClinVar aggregate classification (germline): Uncertain significance (1 of 4 stars; one submission).

gnomAD v4.1: 4 of 1,608,900 alleles (0.00025%); highest among the groups gnomAD compares: East Asian, 0.0089%; no homozygotes.

Submission:

GeneDx
Classification: Uncertain significance. Last evaluated: 2023-07-24. Review status: criteria provided, single submitter. Criteria: GeneDx Variant Classification Process June 2021. Collection method: clinical testing. Allele origin: germline. Affected: yes.
Comment: Not observed at significant frequency in large population cohorts (gnomAD); In silico analysis supports that this missense variant does not alter protein structure/function; Has not been previously published as pathogenic or benign to our knowledge

NM_014915.3(ANKRD26):c.3889G>A (p.Asp1297Asn)

Gene: ANKRD26 (ankyrin repeat domain containing 26; minus strand). Cytogenetic location: 10p12.1.
Variant type: single nucleotide variant.
Coding change: c.3889G>A on transcript NM_014915.3 (MANE Select); coding-DNA position 3889, G replaced by A.
Protein change: p.Asp1297Asn; replaces aspartic acid 1297 with asparagine.
Molecular consequence: missense variant.
Genome position (GRCh38, 1-based): chr10:27,028,935, C>T on the plus strand (G>A on the coding strand, the complement: ANKRD26 is on the minus strand). VCF-style: chr10-27028935-C-T. GRCh37 (hg19) VCF-style: chr10-27317864-C-T.
Other names: c.3886G>A, p.Asp1296Asn (NM_001256053.2); short protein forms D1296N, D1297N.
Identifiers: ClinVar variation 3361552 (VCV003361552.1).